The following is an entry in ClinVar:

ClinVar aggregate classification (germline): Pathogenic. Review status: criteria provided, single submitter (1 of 4 stars). 2 submissions from 2 submitters: Pathogenic (1). 1 of the submissions does not count toward it. Last evaluated 2023-06-23.

Conditions:
Mucopolysaccharidosis, MPS-III-B (MPS3B). Also called: Mucopolysaccharidosis type IIIB (Sanfilippo B); MPS IIIB (Sanfilippo Syndrome Type B); MPS III B; N-ACETYL-ALPHA-D-GLUCOSAMINIDASE DEFICIENCY; NAGLU DEFICIENCY; MUCOPOLYSACCHARIDOSIS, TYPE IIIB. Identifiers: Orphanet 79270, MedGen C0086648, MONDO:0009656, OMIM 252920.
Charcot-Marie-Tooth disease axonal type 2V. Also called: CHARCOT-MARIE-TOOTH NEUROPATHY, TYPE 2V; CHARCOT-MARIE-TOOTH DISEASE, AXONAL, AUTOSOMAL DOMINANT, TYPE 2V. Identifiers: Orphanet 447964, MedGen C5569050, MONDO:0014665, OMIM 616491.

Submissions (2):

Labcorp Genetics (formerly Invitae), Labcorp
Classification: Pathogenic for Charcot-Marie-Tooth disease axonal type 2V; Mucopolysaccharidosis, MPS-III-B. Last evaluated: 2023-06-23. Review status: criteria provided, single submitter. Criteria: Invitae Variant Classification Sherloc (09022015). Collection method: clinical testing. Allele origin: germline.
Comment: This sequence change creates a premature translational stop signal (p.Asn160Lysfs*25) in the NAGLU gene. It is expected to result in an absent or disrupted protein product. Loss-of-function variants in NAGLU are known to be pathogenic (PMID: 9832037, 10094189, 16151907). This variant is not present in population databases (gnomAD no frequency). This premature translational stop signal has been observed in individual(s) with mucopolysaccharidosis (PMID: 28844463). ClinVar contains an entry for this variant (Variation ID: 266015). For these reasons, this variant has been classified as Pathogenic.

Genomic Research Center, Shahid Beheshti University of Medical Sciences
Classification: Pathogenic for Mucopolysaccharidosis, MPS-III-B. Last evaluated: 2017-11-07. Review status: no assertion criteria provided. Collection method: clinical testing. Allele origin: inherited. Affected: yes. Observed: 1 variant allele. Not counted in ClinVar's aggregate classification.

Literature cited by the submitters: PubMed 9832037 (cited by Labcorp Genetics (formerly Invitae), Labcorp); PubMed 10094189 (cited by Labcorp Genetics (formerly Invitae), Labcorp); PubMed 16151907 (cited by Labcorp Genetics (formerly Invitae), Labcorp); PubMed 28844463 (cited by Labcorp Genetics (formerly Invitae), Labcorp and Genomic Research Center, Shahid Beheshti University of Medical Sciences).

NM_000263.4(NAGLU):c.480del (p.Asn160fs)

Gene: NAGLU (N-acetyl-alpha-glucosaminidase; plus strand). Cytogenetic location: 17q21.2.
Variant type: Deletion.
Coding change: c.480del on transcript NM_000263.4 (MANE Select); coding-DNA position 480, one base deleted (T; older notation c.480delT).
Protein change: p.Asn160fs; shifts the reading frame from asparagine 160.
Molecular consequence: frameshift variant.
Genome position (GRCh38, 1-based): chr17:42,537,494, T deleted. VCF-style (leftmost placement, unchanged base first): chr17-42537493-AT-A. GRCh37 (hg19) VCF-style: chr17-40689511-AT-A.
Other names: short protein forms N160fs.
Identifiers: ClinVar variation 266015 (VCV000266015.7), dbSNP rs886039894, ClinGen allele CA10588945.